The following is an entry in ClinVar:

ClinVar aggregate classification (germline): Likely benign (1 of 4 stars; one submission).

Submission:

CeGaT Center for Human Genetics Tuebingen
Classification: Likely benign. Last evaluated: 2024-12-01. Review status: criteria provided, single submitter. Criteria: CeGaT Center For Human Genetics Tuebingen Variant Classification Criteria Version 2. Collection method: clinical testing. Allele origin: germline. Affected: yes. Observed: 1 variant allele.
Comment: FOXF1: PM2:Supporting, BP4, BP7

NM_001451.3(FOXF1):c.753C>G (p.Thr251=)

Gene: FOXF1 (forkhead box F1; plus strand). Cytogenetic location: 16q24.1.
Variant type: single nucleotide variant.
Coding change: c.753C>G on transcript NM_001451.3 (MANE Select); coding-DNA position 753, C replaced by G.
Protein change: p.Thr251=; no amino-acid change (threonine 251 retained).
Molecular consequence: synonymous variant.
Genome position (GRCh38, 1-based): chr16:86,511,322, C>G. VCF-style: chr16-86511322-C-G. GRCh37 (hg19) VCF-style: chr16-86544928-C-G.
Identifiers: ClinVar variation 3771691 (VCV003771691.13).
Genomic context (GRCh38, chr16:86,511,322, plus strand): 5'-GGCGGCCGGCGAGTACCCGCACCACGACAGCTCGGTGCCCGCCTCCCCGCTGCTGCCCAC[C>G]GGCGCCGGTGGGGTCATGGAGCCGCACGCCGTCTACTCGGGCTCGGCGGCGGCCTGGCCG-3'
Protein context (NP_001442.2, residues 241-261): SSVPASPLLP[Thr251=]GAGGVMEPHA